The following is an entry in ClinVar:

NM_001089.3(ABCA3):c.824C>T (p.Ala275Val)

Gene: ABCA3 (ATP binding cassette subfamily A member 3; minus strand). Cytogenetic location: 16p13.3.
Variant type: single nucleotide variant.
Coding change: c.824C>T on transcript NM_001089.3 (MANE Select); coding-DNA position 824, C replaced by T.
Protein change: p.Ala275Val; replaces alanine 275 with valine.
Molecular consequence: missense variant.
Genome position (GRCh38, 1-based): chr16:2,319,630, G>A on the plus strand (C>T on the coding strand, the complement: ABCA3 is on the minus strand). VCF-style: chr16-2319630-G-A. GRCh37 (hg19) VCF-style: chr16-2369631-G-A.
Other names: short protein forms A275V.
Identifiers: ClinVar variation 886303 (VCV000886303.14), dbSNP rs148221984, ClinGen allele CA7841508.

ClinVar aggregate classification (germline): Conflicting classifications of pathogenicity. Review status: criteria provided, conflicting classifications (1 of 4 stars). 4 submissions from 4 submitters: Uncertain significance (1); Benign (1); Likely benign (1). 1 of the submissions does not count toward it. Last evaluated 2026-01-19.

Conditions:
ABCA3-related disorder. Also called: ABCA3-related condition.
Interstitial lung disease due to ABCA3 deficiency. Also called: PULMONARY ALVEOLAR PROTEINOSIS, CONGENITAL, 3. Identifiers: Orphanet 440402, MedGen C1970456, MONDO:0012582, OMIM 610921.

Allele frequency attached by ClinVar (database versions not stated): TOPMed 0.00012; ESP Exome Variant Server 0.00015; 1000 Genomes Project 30x 0.00031; 1000 Genomes Project 0.00040; gnomAD exomes 0.00104 and 0.00236; ExAC 0.00188; gnomAD 0.00207 and 0.00218.
gnomAD v4.1: 1,826 of 1,613,518 alleles (0.11%); highest among the groups gnomAD compares: Non-Finnish European, 0.014%; 28 homozygotes.

Submissions (4):

Labcorp Genetics (formerly Invitae), Labcorp
Classification: Benign. Last evaluated: 2026-01-19. Review status: criteria provided, single submitter. Criteria: Invitae Variant Classification Sherloc (09022015). Collection method: clinical testing. Allele origin: germline.

Blueprint Genetics
Classification: Likely benign. Last evaluated: 2024-11-08. Review status: criteria provided, single submitter. Criteria: ACMG Guidelines, 2015. Collection method: clinical testing. Allele origin: germline.

Illumina Laboratory Services, Illumina
Classification: Uncertain significance for Interstitial lung disease due to ABCA3 deficiency. Last evaluated: 2018-01-13. Review status: criteria provided, single submitter. Criteria: ICSL Variant Classification Criteria 13 December 2019. Collection method: clinical testing. Allele origin: germline.

PreventionGenetics, part of Exact Sciences
Classification: Benign for ABCA3-related condition. Last evaluated: 2019-05-02. Review status: no assertion criteria provided. Collection method: clinical testing. Allele origin: germline. Not counted in ClinVar's aggregate classification.
Comment: This variant is classified as benign based on ACMG/AMP sequence variant interpretation guidelines (Richards et al. 2015 PMID: 25741868, with internal and published modifications).